The following is an entry in ClinVar:

ClinVar aggregate classification (germline): Conflicting classifications of pathogenicity. Review status: criteria provided, conflicting classifications (1 of 4 stars). 6 submissions from 6 submitters: Uncertain significance (3); Likely benign (2). 1 of the submissions does not count toward it. Last evaluated 2023-03-23.

Conditions:
Breast and/or ovarian cancer. Identifiers: MedGen CN221562.
Hereditary cancer-predisposing syndrome. Also called: Hereditary Cancer Syndrome; Hereditary neoplastic syndrome; Neoplastic Syndromes, Hereditary; Tumor predisposition. Identifiers: Orphanet 140162, MedGen C0027672, MeSH D009386, MONDO:0015356.
Hereditary breast ovarian cancer syndrome. Also called: Hereditary breast and ovarian cancer syndrome (HBOC); Breast and ovarian cancer; BRCA1- and BRCA2-Associated Hereditary Breast and Ovarian Cancer; Hereditary breast and/or ovarian cancer syndrome; Hereditary breast and ovarian cancer; Hereditary breast and ovarian cancer syndrome. Identifiers: Orphanet 145, MedGen C0677776, MeSH D061325, MONDO:0003582. Disease mechanism: loss of function.

Allele frequency attached by ClinVar (database versions not stated): TOPMed below 0.00001.
gnomAD v4.1: 1 of 1,614,034 alleles (0.000062%); highest among the groups gnomAD compares: Non-Finnish European, 0.000085%; no homozygotes.

Submissions (6):

University of Washington Department of Laboratory Medicine, University of Washington
Classification: Likely benign for Hereditary cancer-predisposing syndrome. Last evaluated: 2023-03-23. Review status: criteria provided, single submitter. Criteria: Dines et al. (Genet Med. 2020). Collection method: curation. Allele origin: germline.
Comment: Missense variant in a coldspot region where missense variants are very unlikely to be pathogenic (PMID:31911673).

BRCA1 coldspot (exon 11 using historical exon numbering). Reclassification based on statistical prior probability

CHEO Genetics Diagnostic Laboratory, Children's Hospital of Eastern Ontario
Classification: Uncertain significance for Breast and/or ovarian cancer. Last evaluated: 2022-08-31. Review status: criteria provided, single submitter. Criteria: ACMG Guidelines, 2015. Collection method: clinical testing. Allele origin: germline. Study: Canadian Open Genetics Repository.

Sema4
Classification: Uncertain significance for Hereditary cancer-predisposing syndrome. Last evaluated: 2021-11-27. Review status: criteria provided, single submitter. Criteria: Sema4 Curation Guidelines. Collection method: curation. Allele origin: germline.
Comment: The BRCA1 c.954T>A (p.H318Q) variant has been reported in a large case-control study of breast cancer in 2/60466 cases and 1/53461 controls (PMID: 33471991). It was not observed in the large and broad cohorts of the Genome Aggregation Database (PMID: 32461654). This variant has been reported in ClinVar (Variation ID: 431184). In silico tools suggest the impact of the variant on protein function is inconclusive, though these predictions have not been confirmed by functional studies. The overall evidence is insufficient to meet ACMG/AMP criteria for classifying it as benign or pathogenic. Thus, the clinical significance of this variant is currently uncertain.

Labcorp Genetics (formerly Invitae), Labcorp
Classification: Uncertain significance for Hereditary breast ovarian cancer syndrome. Last evaluated: 2020-12-03. Review status: criteria provided, single submitter. Criteria: Invitae Variant Classification Sherloc (09022015). Collection method: clinical testing. Allele origin: germline.
Comment: Algorithms developed to predict the effect of missense changes on protein structure and function output the following: SIFT: "Tolerated"; PolyPhen-2: "Benign"; Align-GVGD: "Class C0". The glutamine amino acid residue is found in multiple mammalian species, suggesting that this missense change does not adversely affect protein function. These predictions have not been confirmed by published functional studies and their clinical significance is uncertain. This sequence change replaces histidine with glutamine at codon 318 of the BRCA1 protein (p.His318Gln). The histidine residue is weakly conserved and there is a small physicochemical difference between histidine and glutamine. This variant is not present in population databases (ExAC no frequency). This variant has not been reported in the literature in individuals with BRCA1-related conditions. ClinVar contains an entry for this variant (Variation ID: 431184). In summary, the available evidence is currently insufficient to determine the role of this variant in disease. Therefore, it has been classified as a Variant of Uncertain Significance.

Ambry Genetics
Classification: Likely benign for Hereditary cancer-predisposing syndrome. Last evaluated: 2015-10-20. Review status: criteria provided, single submitter. Criteria: Ambry Variant Classification Scheme 2023. Collection method: clinical testing. Allele origin: germline.

Cancer Genetics and Genomics Laboratory, British Columbia Cancer Agency
Classification: Uncertain significance for Hereditary breast ovarian cancer syndrome. Last evaluated: 2016-04-14. Review status: no assertion criteria provided. Collection method: clinical testing. Allele origin: germline. Study: The Canadian Open Genetics Repository (COGR). Not counted in ClinVar's aggregate classification.

Literature cited by the submitters: PubMed 33471991 (cited by Sema4).

NM_007294.4(BRCA1):c.954T>A (p.His318Gln)

Gene: BRCA1 (BRCA1 DNA repair associated; minus strand). Cytogenetic location: 17q21.31.
Variant type: single nucleotide variant.
Coding change: c.954T>A on transcript NM_007294.4 (MANE Select); coding-DNA position 954, T replaced by A.
Protein change: p.His318Gln; replaces histidine 318 with glutamine.
Molecular consequence: missense variant. On other transcripts: intron variant (137).
Genome position (GRCh38, 1-based): chr17:43,094,577, A>T on the plus strand (T>A on the coding strand, the complement: BRCA1 is on the minus strand). VCF-style: chr17-43094577-A-T. GRCh37 (hg19) VCF-style: chr17-41246594-A-T.
Other names: c.741T>A, p.His247Gln (NM_001407571.1, NM_001407853.1, NM_001407894.1 and 9 more transcripts); c.954T>A, p.His318Gln (NM_001407581.1, NM_001407582.1, NM_001407583.1 and 30 more transcripts); c.951T>A, p.His317Gln (NM_001407587.1, NM_001407590.1, NM_001407591.1 and 22 more transcripts); c.945T>A, p.His315Gln (NM_001407646.1, NM_001407647.1); c.831T>A, p.His277Gln (NM_001407648.1, NM_001407664.1, NM_001407665.1 and 19 more transcripts); c.828T>A, p.His276Gln (NM_001407649.1, NM_001407670.1, NM_001407671.1 and 11 more transcripts); c.876T>A, p.His292Gln (NM_001407653.1, NM_001407654.1, NM_001407655.1 and 4 more transcripts); c.873T>A, p.His291Gln (NM_001407659.1, NM_001407660.1, NM_001407661.1 and 1 more transcripts); and 40 more; short protein forms H318Q, H271Q, H150Q, H250Q, H276Q, H315Q, H190Q, H22Q.
Identifiers: ClinVar variation 431184 (VCV000431184.18), dbSNP rs1135401826, ClinGen allele CA10600158.